The following is an entry in ClinVar:

NM_001141917.2(SPATA31F1):c.2949T>A (p.Ala983=)

Genes: PHF24 (PHD finger protein 24; plus strand), SPATA31F1 (SPATA31 subfamily F member 1; minus strand). Cytogenetic location: 9p13.3.
Variant type: single nucleotide variant.
Coding change: c.2949T>A on transcript NM_001141917.2 (MANE Select); coding-DNA position 2949, T replaced by A.
Protein change: p.Ala983=; no amino-acid change (alanine 983 retained).
Molecular consequence: synonymous variant.
Genome position (GRCh38, 1-based): chr9:34,724,291, A>T on the plus strand (T>A on the coding strand, the complement: SPATA31F1 is on the minus strand). VCF-style: chr9-34724291-A-T. GRCh37 (hg19) VCF-style: chr9-34724288-A-T.
Identifiers: ClinVar variation 2524938 (VCV002524938.3), dbSNP rs555223535, ClinGen allele CA5037259.

ClinVar aggregate classification (germline): Likely benign. Review status: criteria provided, multiple submitters, no conflicts (2 of 4 stars). 2 submissions from 2 submitters: Likely benign (2). Last evaluated 2026-09-01.

Allele frequency attached by ClinVar (database versions not stated): 1000 Genomes Project 30x 0.00016; 1000 Genomes Project 0.00020; ExAC 0.00041; gnomAD 0.00088.

Submissions (2):

CeGaT Center for Human Genetics Tuebingen
Classification: Likely benign. Last evaluated: 2026-09-01. Review status: criteria provided, single submitter. Criteria: CeGaT Center For Human Genetics Tuebingen Variant Classification Criteria Version 2. Collection method: clinical testing. Allele origin: germline. Affected: yes. Observed: 1 variant allele.
Comment: SPATA31F1: BP4, BP7

Ambry Genetics
Classification: Likely benign. Last evaluated: 2023-05-23. Review status: criteria provided, single submitter. Criteria: Ambry Variant Classification Scheme 2023. Collection method: clinical testing. Allele origin: germline.